The following is an entry in ClinVar:

NM_006231.4(POLE):c.1675C>G (p.Arg559Gly)

Gene: POLE (DNA polymerase epsilon, catalytic subunit; minus strand). Cytogenetic location: 12q24.33.
Variant type: single nucleotide variant.
Coding change: c.1675C>G on transcript NM_006231.4 (MANE Select); coding-DNA position 1675, C replaced by G.
Protein change: p.Arg559Gly; replaces arginine 559 with glycine.
Molecular consequence: missense variant.
Genome position (GRCh38, 1-based): chr12:132,672,638, G>C on the plus strand (C>G on the coding strand, the complement: POLE is on the minus strand). VCF-style: chr12-132672638-G-C. GRCh37 (hg19) VCF-style: chr12-133249224-G-C.
Other names: short protein forms R559G.
Identifiers: ClinVar variation 1379073 (VCV001379073.6), dbSNP rs753784391, ClinGen allele CA387356464.
Genomic context (GRCh38, chr12:132,672,638, plus strand): 5'-ACCACAGCACAAGAGTGGGAAGAATCTGAATCCCAGGGAAGAAGCACACCATCCTAAACC[G>C]GCAAGGGATATCGCTGCGGAAAACCCCAGACTCGAGGGCCTCCACGTGGCCCCCGACGTA-3'
Protein context (NP_006222.2, residues 549-569): SGVFRSDIPC[Arg559Gly]FRMNPAAFDF

ClinVar aggregate classification (germline): Uncertain significance (1 of 4 stars; one submission).

Submission:

Labcorp Genetics (formerly Invitae), Labcorp
Classification: Uncertain significance. Last evaluated: 2021-11-29. Review status: criteria provided, single submitter. Criteria: Invitae Variant Classification Sherloc (09022015). Collection method: clinical testing. Allele origin: germline.
Comment: This variant is not present in population databases (gnomAD no frequency). This variant has not been reported in the literature in individuals affected with POLE-related conditions. Algorithms developed to predict the effect of missense changes on protein structure and function are either unavailable or do not agree on the potential impact of this missense change (SIFT: "Deleterious"; PolyPhen-2: "Probably Damaging"; Align-GVGD: "Class C15"). In summary, the available evidence is currently insufficient to determine the role of this variant in disease. Therefore, it has been classified as a Variant of Uncertain Significance. This sequence change replaces arginine, which is basic and polar, with glycine, which is neutral and non-polar, at codon 559 of the POLE protein (p.Arg559Gly).